The following is an entry in ClinVar:

ClinVar aggregate classification (germline): Likely benign (1 of 4 stars; one submission).

gnomAD v4.1: 44 of 1,607,494 alleles (0.0027%); highest among the groups gnomAD compares: Admixed American, 0.03%; no homozygotes.

Submission:

CeGaT Center for Human Genetics Tuebingen
Classification: Likely benign. Last evaluated: 2025-10-01. Review status: criteria provided, single submitter. Criteria: CeGaT Center For Human Genetics Tuebingen Variant Classification Criteria Version 2. Collection method: clinical testing. Allele origin: germline. Affected: yes. Observed: 1 variant allele.
Comment: ADGRL1: BP4, BP7

NM_014921.5(ADGRL1):c.2019C>T (p.Asn673=)

Genes: ADGRL1 (adhesion G protein-coupled receptor L1; minus strand), ADGRL1-AS1 (ADGRL1 antisense RNA 1; plus strand). Cytogenetic location: 19p13.12.
Variant type: single nucleotide variant.
Coding change: c.2019C>T on transcript NM_014921.5 (MANE Select); coding-DNA position 2019, C replaced by T.
Protein change: p.Asn673=; no amino-acid change (asparagine 673 retained).
Molecular consequence: synonymous variant.
Genome position (GRCh38, 1-based): chr19:14,159,405, G>A on the plus strand (C>T on the coding strand, the complement: ADGRL1 is on the minus strand). VCF-style: chr19-14159405-G-A. GRCh37 (hg19) VCF-style: chr19-14270217-G-A.
Other names: c.2034C>T, p.Asn678= (NM_001008701.3).
Identifiers: ClinVar variation 4534294 (VCV004534294.6).